The following is an entry in ClinVar:

ClinVar aggregate classification (germline): Pathogenic. Review status: criteria provided, multiple submitters, no conflicts (2 of 4 stars). 4 submissions from 4 submitters: Pathogenic (3). 1 of the submissions does not count toward it. Last evaluated 2024-05-07.

Conditions:
Partington syndrome (PRTS). Also called: MENTAL RETARDATION, X-LINKED 36; MENTAL RETARDATION, X-LINKED, SYNDROMIC 1; MENTAL RETARDATION, X-LINKED, WITH DYSTONIC MOVEMENTS, ATAXIA, AND SEIZURES; Mental retardation-dystonic movements-ataxia-seizures syndrome. Identifiers: Orphanet 94083, MedGen C0796250, MONDO:0010654, OMIM 309510.
X-linked lissencephaly with abnormal genitalia. Identifiers: Orphanet 452, MedGen C1846171, MONDO:0010268, OMIM 300215.
Developmental and epileptic encephalopathy, 1 (DEE1). Also called: INFANTILE SPASM SYNDROME, X-LINKED 1; X-linked infantile spasms; West's syndrome; Tonic spasms with clustering, arrest of psychomotor development and hypsarrhythmia on EEG; X-Linked Infantile Spasm Syndrome; OHTAHARA SYNDROME, X-LINKED. Identifiers: MedGen C3463992, MONDO:0010632, OMIM 308350. Disease mechanism: loss of function.
Intellectual disability, X-linked, with or without seizures, ARX-related. Also called: MENTAL RETARDATION, X-LINKED 29; MENTAL RETARDATION, X-LINKED 32; MENTAL RETARDATION, X-LINKED 33; MENTAL RETARDATION, X-LINKED 38; MENTAL RETARDATION, X-LINKED 43; MENTAL RETARDATION, X-LINKED 76. Identifiers: Orphanet 777, MedGen C0796244, MONDO:0010317, OMIM 300419.
Corpus callosum agenesis-abnormal genitalia syndrome. Also called: PROUD SYNDROME; ACC WITH ABNORMAL GENITALIA. Identifiers: Orphanet 2508, MedGen C0796124, MONDO:0010224, OMIM 300004.
Inborn genetic diseases. Identifiers: MedGen C0950123, MeSH D030342.

Submissions (4):

Ambry Genetics
Classification: Pathogenic for Inborn genetic diseases. Last evaluated: 2024-05-07. Review status: criteria provided, single submitter. Criteria: Ambry Variant Classification Scheme 2023. Collection method: clinical testing. Allele origin: germline.
Comment: The c.1058C>T (p.P353L) alteration is located in exon 2 (coding exon 2) of the ARX gene. This alteration results from a C to T substitution at nucleotide position 1058, causing the proline (P) at amino acid position 353 to be replaced by a leucine (L). This variant was not reported in population-based cohorts in the Genome Aggregation Database (gnomAD). This variant was reported as hemizygous in multiple individuals and de novo in one individual with features consistent with ARX-related neurodevelopmental disorders (Str&oslash;mme, 2002; Parrini, 2017; Wu, 2019; Yao, 2021). Of note, this variant has also been reported as heterozygous in females with non-syndromic intellectual disability (Wu, 2019). Two other alterations at the same codon, c.1058C>G (p.P353R) and c.1057C>T (p.P353S), have been detected in individuals with lissencephaly, ambiguous genitalia, epileptic encephalopathy, epileptic spasms, clonic seizures, severe developmental delay/intellectual disability, hypotonia, and/or spasticity (Kato, 2004; Papuc, 2019). This amino acid position is highly conserved in available vertebrate species. In vivo functional studies indicate this variant results in an increased susceptibility to seizures in a knock-in mouse model (Kitamura, 2009). This alteration is predicted to be deleterious by in silico analysis. Based on the available evidence, this alteration is classified as pathogenic.

Institute of Human Genetics, University of Leipzig Medical Center
Classification: Pathogenic for Developmental and epileptic encephalopathy, 1. Last evaluated: 2019-08-29. Review status: criteria provided, single submitter. Criteria: ACMG Guidelines, 2015. Collection method: clinical testing. Allele origin: germline. Affected: yes. Observed: 1 variant allele.
Comment: This variant was identified as hemizygous

Juno Genomics, Hangzhou Juno Genomics, Inc
Classification: Pathogenic for Developmental and epileptic encephalopathy, 1; X-linked lissencephaly with abnormal genitalia; Intellectual disability, X-linked, with or without seizures, ARX-related; Partington syndrome; Corpus callosum agenesis-abnormal genitalia syndrome. Review status: criteria provided, single submitter. Criteria: ACMG Guidelines, 2015. Collection method: clinical testing. Allele origin: germline. Affected: yes.
Comment: Absent from controls (or at extremely low frequency if recessive) in Genome Aggregation Database, Exome Sequencing Project, 1000 Genomes Project, or Exome Aggregation Consortium.;Well-established in vitro or in vivo functional studies supportive of a damaging effect on the gene or gene product.;The prevalence of the variant in affected individuals is significantly increased compared to the prevalence in controls.;Co-segregation with disease in multiple affected family members in a gene definitively known to cause the disease.;Assumed de novo, but without confirmation of paternity and maternity.

OMIM
Classification: Pathogenic for DEVELOPMENTAL AND EPILEPTIC ENCEPHALOPATHY 1. Last evaluated: 2002-08-13. Review status: no assertion criteria provided. Collection method: literature only. Allele origin: germline. Not counted in ClinVar's aggregate classification.

Literature cited by the submitters: PubMed 11889467 (cited by Ambry Genetics and OMIM); PubMed 14722918 (cited by Ambry Genetics); PubMed 19605412 (cited by Ambry Genetics); PubMed 27864847 (cited by Ambry Genetics); PubMed 30255221 (cited by Ambry Genetics); PubMed 30552426 (cited by Ambry Genetics); PubMed 34992632 (cited by Ambry Genetics); PubMed 12177367 (cited by OMIM).

NM_139058.3(ARX):c.1058C>T (p.Pro353Leu)

Gene: ARX (aristaless related homeobox; minus strand). Cytogenetic location: Xp21.3.
Variant type: single nucleotide variant.
Coding change: c.1058C>T on transcript NM_139058.3 (MANE Select); coding-DNA position 1058, C replaced by T.
Protein change: p.Pro353Leu; replaces proline 353 with leucine.
Molecular consequence: missense variant.
Genome position (GRCh38, 1-based): chrX:25,012,937, G>A on the plus strand (C>T on the coding strand, the complement: ARX is on the minus strand). VCF-style: chrX-25012937-G-A. GRCh37 (hg19) VCF-style: chrX-25031054-G-A.
Other names: short protein forms P353L.
Identifiers: ClinVar variation 11188 (VCV000011188.6), dbSNP rs104894743, ClinGen allele CA121410.
Genomic context (GRCh38, chrX:25,012,937, plus strand): 5'-CGTGCGCTCTCTGCCGCTGCGACCGCGACCACCCTACGCGCATACCTGGTGAAGACGTCC[G>A]GGTAGTGCGTCTTCTGGAAGGCCCGCTCCAGTTCCTCCAGCTGGTAGCTGGTGAACGTGG-3'
Protein context (NP_620689.1, residues 343-363): LERAFQKTHY[Pro353Leu]DVFTREELAM